The following is an entry in ClinVar:

ClinVar aggregate classification (germline): Uncertain significance (1 of 4 stars; one submission).

Conditions:
Charcot-Marie-Tooth disease type 4. Also called: Charcot-Marie-Tooth disease, type IV; Charcot-Marie-Tooth, Type 4. Identifiers: Orphanet 64749, MedGen C4082197, MONDO:0018995.

Allele frequency attached by ClinVar (database versions not stated): gnomAD 0.00001; TOPMed 0.00001.
gnomAD v4.1: 5 of 1,613,968 alleles (0.00031%); highest among the groups gnomAD compares: East Asian, 0.0022%; no homozygotes.

Submission:

Labcorp Genetics (formerly Invitae), Labcorp
Classification: Uncertain significance for Charcot-Marie-Tooth disease type 4. Last evaluated: 2024-12-09. Review status: criteria provided, single submitter. Criteria: Invitae Variant Classification Sherloc (09022015). Collection method: clinical testing. Allele origin: germline.
Comment: This sequence change replaces arginine, which is basic and polar, with glutamine, which is neutral and polar, at codon 377 of the SH3TC2 protein (p.Arg377Gln). This variant is present in population databases (no rsID available, gnomAD 0.01%). This variant has not been reported in the literature in individuals affected with SH3TC2-related conditions. ClinVar contains an entry for this variant (Variation ID: 1390188). Invitae Evidence Modeling of protein sequence and biophysical properties (such as structural, functional, and spatial information, amino acid conservation, physicochemical variation, residue mobility, and thermodynamic stability) indicates that this missense variant is not expected to disrupt SH3TC2 protein function with a negative predictive value of 95%. In summary, the available evidence is currently insufficient to determine the role of this variant in disease. Therefore, it has been classified as a Variant of Uncertain Significance.

NM_024577.4(SH3TC2):c.1130G>A (p.Arg377Gln)

Gene: SH3TC2 (SH3 domain and tetratricopeptide repeats 2; minus strand). Cytogenetic location: 5q32.
Variant type: single nucleotide variant.
Coding change: c.1130G>A on transcript NM_024577.4 (MANE Select); coding-DNA position 1130, G replaced by A.
Protein change: p.Arg377Gln; replaces arginine 377 with glutamine.
Molecular consequence: missense variant.
Genome position (GRCh38, 1-based): chr5:149,031,559, C>T on the plus strand (G>A on the coding strand, the complement: SH3TC2 is on the minus strand). VCF-style: chr5-149031559-C-T. GRCh37 (hg19) VCF-style: chr5-148411122-C-T.
Other names: short protein forms R377Q.
Identifiers: ClinVar variation 1390188 (VCV001390188.6), dbSNP rs1450931349, ClinGen allele CA361669975.
Genomic context (GRCh38, chr5:149,031,559, plus strand): 5'-TATCTTATTCTTGAGGACCCCAGGCTTTTGAAGGTGTCTGAGGACCAACACTCACTGAGC[C>T]GGTAGACAGATGTGATGTCAGTGCGAGCAAGAGTGTGGAGGAAGCTGGAACACTCAGTCT-3'
Protein context (NP_078853.2, residues 367-387): LARTDITSVY[Arg377Gln]LSGFESIQNP